The following is an entry in ClinVar:

ClinVar aggregate classification (germline): Uncertain significance (1 of 4 stars; one submission).

Submission:

GeneDx
Classification: Uncertain significance. Last evaluated: 2025-03-03. Review status: criteria provided, single submitter. Criteria: GeneDx Variant Classification Process June 2021. Collection method: clinical testing. Allele origin: germline. Affected: yes.
Comment: Not observed at significant frequency in large population cohorts (gnomAD); In silico analysis supports that this missense variant has a deleterious effect on protein structure/function; Has not been previously published as pathogenic or benign to our knowledge

NM_000384.3(APOB):c.2333G>T (p.Arg778Leu)

Gene: APOB (apolipoprotein B; minus strand). Cytogenetic location: 2p24.1.
Variant type: single nucleotide variant.
Coding change: c.2333G>T on transcript NM_000384.3 (MANE Select); coding-DNA position 2333, G replaced by T.
Protein change: p.Arg778Leu; replaces arginine 778 with leucine.
Molecular consequence: missense variant.
Genome position (GRCh38, 1-based): chr2:21,025,036, C>A on the plus strand (G>T on the coding strand, the complement: APOB is on the minus strand). VCF-style: chr2-21025036-C-A. GRCh37 (hg19) VCF-style: chr2-21247908-C-A.
Other names: short protein forms R778L.
Identifiers: ClinVar variation 4082626 (VCV004082626.1).